The following is an entry in ClinVar:

ClinVar aggregate classification (germline): Uncertain significance. Review status: criteria provided, multiple submitters, no conflicts (2 of 4 stars). 2 submissions from 2 submitters: Uncertain significance (2). Last evaluated 2025-05-09.

Conditions:
Hereditary cancer-predisposing syndrome. Also called: Neoplastic Syndromes, Hereditary; Tumor predisposition; Hereditary neoplastic syndrome; Hereditary Cancer Syndrome. Identifiers: Orphanet 140162, MedGen C0027672, MeSH D009386, MONDO:0015356.

Submissions (2):

Labcorp Genetics (formerly Invitae), Labcorp
Classification: Uncertain significance. Last evaluated: 2025-05-09. Review status: criteria provided, single submitter. Criteria: Invitae Variant Classification Sherloc (09022015). Collection method: clinical testing. Allele origin: germline.
Comment: This sequence change replaces serine, which is neutral and polar, with threonine, which is neutral and polar, at codon 73 of the NTHL1 protein (p.Ser73Thr). This variant is not present in population databases (gnomAD no frequency). This variant has not been reported in the literature in individuals affected with NTHL1-related conditions. ClinVar contains an entry for this variant (Variation ID: 2451099). An algorithm developed to predict the effect of missense changes on protein structure and function (PolyPhen-2) suggests that this variant is likely to be tolerated. In summary, the available evidence is currently insufficient to determine the role of this variant in disease. Therefore, it has been classified as a Variant of Uncertain Significance.

Ambry Genetics
Classification: Uncertain significance for Hereditary cancer-predisposing syndrome. Last evaluated: 2022-12-12. Review status: criteria provided, single submitter. Criteria: Ambry Variant Classification Scheme 2023. Collection method: clinical testing. Allele origin: germline.
Comment: The p.S73T variant (also known as c.218G>C), located in coding exon 2 of the NTHL1 gene, results from a G to C substitution at nucleotide position 218. The serine at codon 73 is replaced by threonine, an amino acid with similar properties. This amino acid position is conserved. In addition, this alteration is predicted to be tolerated by in silico analysis. Since supporting evidence is limited at this time, the clinical significance of this alteration remains unclear.

NM_002528.7(NTHL1):c.194G>C (p.Ser65Thr)

Gene: NTHL1 (nth like DNA glycosylase 1; minus strand). Cytogenetic location: 16p13.3.
Variant type: single nucleotide variant.
Coding change: c.194G>C on transcript NM_002528.7 (MANE Select); coding-DNA position 194, G replaced by C.
Protein change: p.Ser65Thr; replaces serine 65 with threonine.
Molecular consequence: missense variant.
Genome position (GRCh38, 1-based): chr16:2,046,288, C>G on the plus strand (G>C on the coding strand, the complement: NTHL1 is on the minus strand). VCF-style: chr16-2046288-C-G. GRCh37 (hg19) VCF-style: chr16-2096289-C-G.
Other names: c.194G>C, p.Ser65Thr (NM_001318193.2); c.16G>C, p.Val6Leu (NM_001318194.2); short protein forms V6L, S65T.
Identifiers: ClinVar variation 2451099 (VCV002451099.5), dbSNP rs747885276, ClinGen allele CA394297664.